The following is an entry in ClinVar:

NM_020822.3(KCNT1):c.1769+20A>G

Gene: KCNT1 (potassium sodium-activated channel subfamily T member 1; plus strand). Cytogenetic location: 9q34.3.
Variant type: single nucleotide variant.
Coding change: c.1769+20A>G on transcript NM_020822.3 (MANE Select); 20 bases into the intron after coding-DNA position 1769, A replaced by G.
Molecular consequence: intron variant.
Genome position (GRCh38, 1-based): chr9:135,770,467, A>G. VCF-style: chr9-135770467-A-G. GRCh37 (hg19) VCF-style: chr9-138662313-A-G.
Other names: c.1634+20A>G (NM_001272003.2).
Identifiers: ClinVar variation 392228 (VCV000392228.10), dbSNP rs1057524400, ClinGen allele CA16605612.
Genomic context (GRCh38, chr9:135,770,467, plus strand): 5'-GGCAAGAGCTTCACCTACGCGGCCTTCCACGCCCACAAGAAGTAAGGCCGGGCTGCATCC[A>G]CAGGGCTGGCGCTCCAGGGCTGCTCTGCTCTGTGCCCTCCCCACCCTCCCGGTCAGGCAC-3'

ClinVar aggregate classification (germline): Likely benign. Review status: criteria provided, multiple submitters, no conflicts (2 of 4 stars). 4 submissions from 3 submitters: Likely benign (4). Last evaluated 2025-09-11.

Conditions:
Developmental and epileptic encephalopathy, 14 (DEE14). Also called: Early infantile epileptic encephalopathy 14. Identifiers: Orphanet 293181, MedGen C3554195, MONDO:0013989, OMIM 614959.
Autosomal dominant nocturnal frontal lobe epilepsy 5. Also called: CILIARY DYSKINESIA, PRIMARY, 28, WITH SITUS INVERSUS; Epilepsy, nocturnal frontal lobe, 5; CILIARY DYSKINESIA, PRIMARY, 28, WITHOUT SITUS INVERSUS; KCNT1-Related Epilepsy. Identifiers: Orphanet 98784, MedGen C3554306, MONDO:0014002, OMIM 615005.

Submissions (4):

Labcorp Genetics (formerly Invitae), Labcorp
Classification: Likely benign for Autosomal dominant nocturnal frontal lobe epilepsy 5; Developmental and epileptic encephalopathy, 14. Last evaluated: 2025-09-11. Review status: criteria provided, single submitter. Criteria: Invitae Variant Classification Sherloc (09022015). Collection method: clinical testing. Allele origin: germline.

Genome-Nilou Lab
Classification: Likely benign for Developmental and epileptic encephalopathy, 14. Last evaluated: 2022-03-15. Review status: criteria provided, single submitter. Criteria: ACMG Guidelines, 2015. Collection method: clinical testing. Allele origin: germline. Affected: no.

Genome-Nilou Lab
Classification: Likely benign for Autosomal dominant nocturnal frontal lobe epilepsy 5. Last evaluated: 2022-03-15. Review status: criteria provided, single submitter. Criteria: ACMG Guidelines, 2015. Collection method: clinical testing. Allele origin: germline. Affected: no.

GeneDx
Classification: Likely benign. Last evaluated: 2016-12-30. Review status: criteria provided, single submitter. Criteria: GeneDx Variant Classification (06012015). Collection method: clinical testing. Allele origin: germline. Affected: yes.
Comment: This variant is considered likely benign or benign based on one or more of the following criteria: it is a conservative change, it occurs at a poorly conserved position in the protein, it is predicted to be benign by multiple in silico algorithms, and/or has population frequency not consistent with disease.